The following is an entry in ClinVar:

NM_000368.5(TSC1):c.2077G>A (p.Asp693Asn)

Gene: TSC1 (TSC complex subunit 1; minus strand). Cytogenetic location: 9q34.13.
Variant type: single nucleotide variant.
Coding change: c.2077G>A on transcript NM_000368.5 (MANE Select); coding-DNA position 2077, G replaced by A.
Protein change: p.Asp693Asn; replaces aspartic acid 693 with asparagine.
Molecular consequence: missense variant.
Genome position (GRCh38, 1-based): chr9:132,903,782, C>T on the plus strand (G>A on the coding strand, the complement: TSC1 is on the minus strand). VCF-style: chr9-132903782-C-T. GRCh37 (hg19) VCF-style: chr9-135779169-C-T.
Other names: c.2077G>A, p.Asp693Asn (NM_001406607.1, NM_001406592.1, NM_001406593.1 and 5 more transcripts); c.2074G>A, p.Asp692Asn (NM_001406608.1, NM_001406609.1, NM_001162426.2 and 4 more transcripts); c.1924G>A, p.Asp642Asn (NM_001406610.1, NM_001162427.2); c.1921G>A, p.Asp641Asn (NM_001406611.1, NM_001406612.1, NM_001406613.1); c.1714G>A, p.Asp572Asn (NM_001406614.1, NM_001406615.1, NM_001406616.1 and 5 more transcripts); c.1126G>A, p.Asp376Asn (NM_001406626.1); c.1123G>A, p.Asp375Asn (NM_001406627.1, NM_001406628.1); c.1024G>A, p.Asp342Asn (NM_001406629.1, NM_001406630.1); and 3 more; short protein forms D376N, D642N, D688N, D693N, D375N, D571N, D687N, D692N.
Identifiers: ClinVar variation 2094944 (VCV002094944.5), dbSNP rs397514800, ClinGen allele CA375361107.

ClinVar aggregate classification (germline): Uncertain significance. Review status: criteria provided, multiple submitters, no conflicts (2 of 4 stars). 2 submissions from 2 submitters: Uncertain significance (2). Last evaluated 2023-10-10.

Conditions:
Tuberous sclerosis 1 (TSC1). Identifiers: Orphanet 805, MedGen C1854465, MONDO:0008612, OMIM 191100.
Isolated focal cortical dysplasia type II (FCORD2). Also called: Focal cortical dysplasia type II; CORTICAL DYSPLASIA OF TAYLOR. Identifiers: Orphanet 268994, MedGen C1846385, MONDO:0011818, OMIM 607341, HP:0032051.

Submissions (2):

Baylor Genetics
Classification: Uncertain significance for Isolated focal cortical dysplasia type II. Last evaluated: 2023-10-10. Review status: criteria provided, single submitter. Criteria: ACMG Guidelines, 2015. Collection method: clinical testing. Allele origin: unknown.

Labcorp Genetics (formerly Invitae), Labcorp
Classification: Uncertain significance for Tuberous sclerosis 1. Last evaluated: 2022-02-08. Review status: criteria provided, single submitter. Criteria: Invitae Variant Classification Sherloc (09022015). Collection method: clinical testing. Allele origin: germline.
Comment: Algorithms developed to predict the effect of missense changes on protein structure and function output the following: SIFT: "Tolerated"; PolyPhen-2: "Benign"; Align-GVGD: "Class C0". The asparagine amino acid residue is found in multiple mammalian species, which suggests that this missense change does not adversely affect protein function. This variant has not been reported in the literature in individuals affected with TSC1-related conditions. This variant is not present in population databases (gnomAD no frequency). This sequence change replaces aspartic acid, which is acidic and polar, with asparagine, which is neutral and polar, at codon 693 of the TSC1 protein (p.Asp693Asn). In summary, the available evidence is currently insufficient to determine the role of this variant in disease. Therefore, it has been classified as a Variant of Uncertain Significance.